The following is an entry in ClinVar:

ClinVar aggregate classification (germline): Likely benign (1 of 4 stars; one submission).

gnomAD v4.1: 9 of 1,587,704 alleles (0.00057%); highest among the groups gnomAD compares: East Asian, 0.016%; no homozygotes.

Submission:

CeGaT Center for Human Genetics Tuebingen
Classification: Likely benign. Last evaluated: 2022-07-01. Review status: criteria provided, single submitter. Criteria: CeGaT Center For Human Genetics Tuebingen Variant Classification Criteria Version 2. Collection method: clinical testing. Allele origin: germline. Affected: yes. Observed: 1 variant allele.
Comment: MLXIPL: BP4, BP7

NM_032951.3(MLXIPL):c.711G>C (p.Pro237=)

Gene: MLXIPL (MLX interacting protein like; minus strand). Cytogenetic location: 7q11.23.
Variant type: single nucleotide variant.
Coding change: c.711G>C on transcript NM_032951.3 (MANE Select); coding-DNA position 711, G replaced by C.
Protein change: p.Pro237=; no amino-acid change (proline 237 retained).
Molecular consequence: synonymous variant. On other transcripts: non-coding transcript variant (1).
Genome position (GRCh38, 1-based): chr7:73,606,019, C>G on the plus strand (G>C on the coding strand, the complement: MLXIPL is on the minus strand). VCF-style: chr7-73606019-C-G. GRCh37 (hg19) VCF-style: chr7-73020349-C-G.
Other names: c.711G>C, p.Pro237= (NM_032952.3, NM_032953.3, NM_032954.3).
Identifiers: ClinVar variation 2657560 (VCV002657560.24), dbSNP rs781960833, ClinGen allele CA4289431.